The following is an entry in ClinVar:

NM_000136.3(FANCC):c.1348C>G (p.Leu450Val)

Genes: AOPEP (aminopeptidase O (putative); plus strand), FANCC (FA complementation group C; minus strand). Cytogenetic location: 9q22.32.
Variant type: single nucleotide variant.
Coding change: c.1348C>G on transcript NM_000136.3 (MANE Select); coding-DNA position 1348, C replaced by G.
Protein change: p.Leu450Val; replaces leucine 450 with valine.
Molecular consequence: missense variant.
Genome position (GRCh38, 1-based): chr9:95,107,251, G>C on the plus strand (C>G on the coding strand, the complement: FANCC is on the minus strand). VCF-style: chr9-95107251-G-C. GRCh37 (hg19) VCF-style: chr9-97869533-G-C.
Other names: c.1348C>G, p.Leu450Val (NM_001243743.2); short protein forms L450V.
Identifiers: ClinVar variation 4828918 (VCV004828918.1).

ClinVar aggregate classification (germline): Uncertain significance (1 of 4 stars; one submission).

Conditions:
Hereditary cancer-predisposing syndrome. Also called: Neoplastic Syndromes, Hereditary; Tumor predisposition; Hereditary Cancer Syndrome; Hereditary neoplastic syndrome. Identifiers: Orphanet 140162, MedGen C0027672, MeSH D009386, MONDO:0015356.

Submission:

Ambry Genetics
Classification: Uncertain significance for Hereditary cancer-predisposing syndrome. Last evaluated: 2026-02-16. Review status: criteria provided, single submitter. Criteria: Ambry Variant Classification Scheme 2023. Collection method: clinical testing. Allele origin: germline.
Comment: The p.L450V variant (also known as c.1348C>G), located in coding exon 13 of the FANCC gene, results from a C to G substitution at nucleotide position 1348. The leucine at codon 450 is replaced by valine, an amino acid with highly similar properties. This amino acid position is conserved. In addition, this alteration is predicted to be tolerated by in silico analysis. Based on the available evidence, the clinical significance of this variant remains unclear.